The following is an entry in ClinVar:

ClinVar aggregate classification (germline): Uncertain significance. Review status: criteria provided, multiple submitters, no conflicts (2 of 4 stars). 2 submissions from 2 submitters: Uncertain significance (2). Last evaluated 2026-03-21.

Conditions:
Charcot-Marie-Tooth disease axonal type 2Z. Also called: CHARCOT-MARIE-TOOTH DISEASE, AXONAL, AUTOSOMAL DOMINANT, TYPE 2Z; CHARCOT-MARIE-TOOTH NEUROPATHY, TYPE 2Z. Identifiers: Orphanet 466768, MedGen C5569025, MONDO:0014736, OMIM 616688.
MORC2-related disorder. Also called: MORC2-related condition.

Allele frequency attached by ClinVar (database versions not stated): gnomAD 0.00001; gnomAD exomes 0.00002.

Submissions (2):

PreventionGenetics, part of Exact Sciences
Classification: Uncertain significance for MORC2-related condition. Last evaluated: 2026-03-21. Review status: criteria provided, single submitter. Criteria: ACMG Guidelines, 2015. Collection method: clinical testing. Allele origin: germline.
Comment: The MORC2 c.722G>A variant is predicted to result in the amino acid substitution p.Arg241His. To our knowledge, this variant has not been reported in the literature. This variant is reported in 0.0018% of alleles in individuals of European (non-Finnish) descent in gnomAD. At this time, the clinical significance of this variant is uncertain due to the absence of conclusive functional and genetic evidence.

Labcorp Genetics (formerly Invitae), Labcorp
Classification: Uncertain significance for Charcot-Marie-Tooth disease axonal type 2Z. Last evaluated: 2024-11-21. Review status: criteria provided, single submitter. Criteria: Invitae Variant Classification Sherloc (09022015). Collection method: clinical testing. Allele origin: germline.
Comment: This sequence change replaces arginine, which is basic and polar, with histidine, which is basic and polar, at codon 241 of the MORC2 protein (p.Arg241His). This variant is present in population databases (no rsID available, gnomAD 0.002%). This variant has not been reported in the literature in individuals affected with MORC2-related conditions. ClinVar contains an entry for this variant (Variation ID: 2720106). Invitae Evidence Modeling of protein sequence and biophysical properties (such as structural, functional, and spatial information, amino acid conservation, physicochemical variation, residue mobility, and thermodynamic stability) indicates that this missense variant is expected to disrupt MORC2 protein function with a positive predictive value of 95%. In summary, the available evidence is currently insufficient to determine the role of this variant in disease. Therefore, it has been classified as a Variant of Uncertain Significance.

NM_001303256.3(MORC2):c.722G>A (p.Arg241His)

Gene: MORC2 (MORC family CW-type zinc finger 2; minus strand). Cytogenetic location: 22q12.2.
Variant type: single nucleotide variant.
Coding change: c.722G>A on transcript NM_001303256.3 (MANE Select); coding-DNA position 722, G replaced by A.
Protein change: p.Arg241His; replaces arginine 241 with histidine.
Molecular consequence: missense variant.
Genome position (GRCh38, 1-based): chr22:30,941,535, C>T on the plus strand (G>A on the coding strand, the complement: MORC2 is on the minus strand). VCF-style: chr22-30941535-C-T. GRCh37 (hg19) VCF-style: chr22-31337522-C-T.
Other names: c.722G>A, p.Arg241His (NM_001303257.2); c.536G>A, p.Arg179His (NM_014941.3); c.722G>A (NM_001303256.2); short protein forms R241H, R179H.
Identifiers: ClinVar variation 2720106 (VCV002720106.4), dbSNP rs930399394, ClinGen allele CA323278126.